The following is an entry in ClinVar:

ClinVar aggregate classification (germline): Likely pathogenic. Review status: criteria provided, single submitter (1 of 4 stars). 2 submissions from 2 submitters: Likely pathogenic (1). 1 of the submissions does not count toward it. Last evaluated 2019-09-06.

Conditions:
MKRN3-related disorder. Also called: MKRN3-related condition.

Allele frequency attached by ClinVar (database versions not stated): gnomAD exomes below 0.00001; TOPMed below 0.00001; ExAC 0.00001; ESP Exome Variant Server 0.00008.

Submissions (2):

GeneDx
Classification: Likely pathogenic. Last evaluated: 2019-09-06. Review status: criteria provided, single submitter. Criteria: GeneDx Variant Classification Process June 2021. Collection method: clinical testing. Allele origin: germline. Affected: yes.
Comment: Frameshift variant in the C-terminus predicted to result in protein truncation, as the last 240 amino acids are lost and replaced with 22 incorrect amino acids (Stenson et al., 2014); Not observed at a significant frequency in large population cohorts (Lek et al., 2016); Identified in a patient with familial central precocious puberty (Simon et al., 2016); This variant is associated with the following publications: (PMID: 30675365, 26431553, 27798941)

PreventionGenetics, part of Exact Sciences
Classification: Likely pathogenic for MKRN3-related condition. Last evaluated: 2024-02-08. Review status: no assertion criteria provided. Collection method: clinical testing. Allele origin: germline. Not counted in ClinVar's aggregate classification.
Comment: The MKRN3 c.802_803delAT variant is predicted to result in a frameshift and premature protein termination (p.Met268Valfs*23). This variant has been reported in an individual with familial central precocious puberty (Family 12, Simon et al. 2016. PubMed ID: 26431553). This variant is reported in 0.0054% of alleles in individuals of East Asian descent in gnomAD. Frameshift variants in MKRN3 are expected to be pathogenic. This variant is interpreted as likely pathogenic.

NM_005664.4(MKRN3):c.802_803del (p.Met268fs)

Gene: MKRN3 (makorin ring finger protein 3; plus strand). Cytogenetic location: 15q11.2.
Variant type: Deletion.
Coding change: c.802_803del on transcript NM_005664.4 (MANE Select); coding-DNA positions 802 to 803, 2 bases deleted (AT; older notation c.802_803delAT).
Protein change: p.Met268fs; shifts the reading frame from methionine 268.
Molecular consequence: frameshift variant.
Genome position (GRCh38, 1-based): chr15:23,566,584-23,566,585, AT deleted. VCF-style (leftmost placement, unchanged base first): chr15-23566583-CAT-C. GRCh37 (hg19) VCF-style: chr15-23811730-CAT-C.
Other names: short protein forms M268fs.
Identifiers: ClinVar variation 1189862 (VCV001189862.4), dbSNP rs766690218, ClinGen allele CA7429471.
Genomic context (GRCh38, chr15:23,566,583, plus strand): 5'-TTCCAGGGGAGTTTGCTTTCGTGGGGAGAGCTGTATGTACCTCCATGGAGACATATGCGA[CAT>C]GTGTGGGCTGCAGACCTTGCACCCCATGGATGCTGCCCAGAGGGAAGAACATATGAGGGC-3'